The following is an entry in ClinVar:

ClinVar aggregate classification (germline): Uncertain significance. Review status: criteria provided, multiple submitters, no conflicts (2 of 4 stars). 8 submissions from 8 submitters: Uncertain significance (7). 1 of the submissions does not count toward it. Last evaluated 2026-09-14.

Conditions:
Fanconi anemia complementation group J. Also called: BRIP1-Related Fanconi Anemia. Identifiers: Orphanet 84, MedGen C1836860, MONDO:0012187, OMIM 609054.
Familial cancer of breast. Also called: hereditary breast carcinoma; Hereditary breast cancer; BREAST CANCER, FAMILIAL. Identifiers: Orphanet 227535, MedGen C0346153, MONDO:0016419, OMIM 114480. Disease mechanism: loss of function.
Hereditary cancer-predisposing syndrome. Also called: Hereditary Cancer Syndrome; Tumor predisposition; Hereditary neoplastic syndrome; Neoplastic Syndromes, Hereditary. Identifiers: Orphanet 140162, MedGen C0027672, MeSH D009386, MONDO:0015356.
Familial ovarian cancer. Identifiers: MedGen C5679802, MONDO:0016248.
BRIP1-related disorder. Also called: BRIP1-related condition; BRIP1-related disorders. Identifiers: MedGen CN239206.

Allele frequency attached by ClinVar (database versions not stated): ExAC 0.00001; gnomAD exomes 0.00001; TOPMed 0.00001; gnomAD 0.00003.
gnomAD v4.1: 14 of 1,608,314 alleles (0.00087%); highest among the groups gnomAD compares: Non-Finnish European, 0.0012%; no homozygotes.

Submissions (8):

Hema, HEMA – Genetic and Molecular Diagnostic Laboratory
Classification: Uncertain significance for Familial ovarian cancer. Last evaluated: 2026-09-14. Review status: criteria provided, single submitter. Criteria: HEMA Variant Classification Assertion Criteria. Collection method: clinical testing. Allele origin: germline.
Comment: The c.1798T>C variant is a transition from adenine to guanine, resulting in the substitution of phenylalanine 600 with leucine in the BRIP1 protein. PM2_Supporting: Present at very low population frequency in gnomAD v4.1.2. BP4: The computational metapredictor REVEL score = 0.275 ≤ 0.290, indicating that the variant is not likely to have an effect on the BRIP1 protein.

Center for Genomic Medicine, Rigshospitalet, Copenhagen University Hospital
Classification: Uncertain significance. Last evaluated: 2025-12-29. Review status: criteria provided, single submitter. Criteria: ACMG Guidelines, 2015. Collection method: clinical testing. Allele origin: germline.

Labcorp Genetics (formerly Invitae), Labcorp
Classification: Uncertain significance for Familial cancer of breast; Fanconi anemia complementation group J. Last evaluated: 2025-09-03. Review status: criteria provided, single submitter. Criteria: Invitae Variant Classification Sherloc (09022015). Collection method: clinical testing. Allele origin: germline.
Comment: This sequence change replaces phenylalanine, which is neutral and non-polar, with leucine, which is neutral and non-polar, at codon 600 of the BRIP1 protein (p.Phe600Leu). This variant is present in population databases (rs745367580, gnomAD 0.002%). This variant has not been reported in the literature in individuals affected with BRIP1-related conditions. ClinVar contains an entry for this variant (Variation ID: 241631). Invitae Evidence Modeling of protein sequence and biophysical properties (such as structural, functional, and spatial information, amino acid conservation, physicochemical variation, residue mobility, and thermodynamic stability) has been performed for this missense variant. However, the output from this modeling did not meet the statistical confidence thresholds required to predict the impact of this variant on BRIP1 protein function. In summary, the available evidence is currently insufficient to determine the role of this variant in disease. Therefore, it has been classified as a Variant of Uncertain Significance.

Dasa
Classification: Uncertain significance. Last evaluated: 2024-10-10. Review status: criteria provided, single submitter. Criteria: DASA Assertion Criteria. Collection method: clinical testing. Allele origin: germline.
Comment: NM_032043.3(BRIP1):c.1798T>C (p.Phe600Leu) is a missense variant that results in the substitution of phenylalanine with leucine. This variant is rare in population databases. Computational prediction algorithms are consistent with a benign effect. The currently available literature and clinical evidence are not sufficient to establish a definitive association between this variant and the reported condition. Therefore, this variant is classified as a variant of uncertain significance.

Ambry Genetics
Classification: Uncertain significance for Hereditary cancer-predisposing syndrome. Last evaluated: 2024-04-30. Review status: criteria provided, single submitter. Criteria: Ambry Variant Classification Scheme 2023. Collection method: clinical testing. Allele origin: germline.
Comment: The p.F600L variant (also known as c.1798T>C), located in coding exon 12 of the BRIP1 gene, results from a T to C substitution at nucleotide position 1798. The phenylalanine at codon 600 is replaced by leucine, an amino acid with highly similar properties. This amino acid position is highly conserved in available vertebrate species. In addition, the in silico prediction for this alteration is inconclusive. Since supporting evidence is limited at this time, the clinical significance of this alteration remains unclear.

GeneDx
Classification: Uncertain significance. Last evaluated: 2023-11-15. Review status: criteria provided, single submitter. Criteria: GeneDx Variant Classification Process June 2021. Collection method: clinical testing. Allele origin: germline. Affected: yes.
Comment: Not observed at significant frequency in large population cohorts (gnomAD); In silico analysis supports that this missense variant has a deleterious effect on protein structure/function; Observed only in controls from a case-control study of breast cancer (PMID: 26921362); This variant is associated with the following publications: (PMID: 24121792, 21822268, 32930150, 26921362)

Color Diagnostics, LLC DBA Color Health
Classification: Uncertain significance for Hereditary cancer-predisposing syndrome. Last evaluated: 2022-06-21. Review status: criteria provided, single submitter. Criteria: ACMG Guidelines, 2015. Collection method: clinical testing. Allele origin: germline.
Comment: This missense variant replaces phenylalanine with leucine at codon 600 of the BRIP1 protein. Computational prediction suggests that this variant may not impact protein structure and function (internally defined REVEL score threshold <= 0.5, PMID: 27666373). Splice site prediction tools suggest that this variant may not impact RNA splicing. To our knowledge, functional studies have not been performed for this variant. This variant has not been reported in individuals affected with hereditary cancer in the literature. This variant has been identified in 3/282746 chromosomes in the general population by the Genome Aggregation Database (gnomAD). The available evidence is insufficient to determine the role of this variant in disease conclusively. Therefore, this variant is classified as a Variant of Uncertain Significance.

PreventionGenetics, part of Exact Sciences
Classification: Uncertain significance for BRIP1-related condition. Last evaluated: 2024-09-25. Review status: no assertion criteria provided. Collection method: clinical testing. Allele origin: germline. Not counted in ClinVar's aggregate classification.
Comment: The BRIP1 c.1798T>C variant is predicted to result in the amino acid substitution p.Phe600Leu. To our knowledge, this variant has not been reported in the literature. This variant is reported in 0.0023% of alleles in individuals of European (Non-Finnish) descent in gnomAD and is interpreted as a variant of uncertain significance in ClinVar. At this time, the clinical significance of this variant is uncertain due to the absence of conclusive functional and genetic evidence.

NM_032043.3(BRIP1):c.1798T>C (p.Phe600Leu)

Gene: BRIP1 (BRCA1 interacting DNA helicase 1; minus strand). Cytogenetic location: 17q23.2.
Variant type: single nucleotide variant.
Coding change: c.1798T>C on transcript NM_032043.3 (MANE Select); coding-DNA position 1798, T replaced by C.
Protein change: p.Phe600Leu; replaces phenylalanine 600 with leucine.
Molecular consequence: missense variant.
Genome position (GRCh38, 1-based): chr17:61,780,398, A>G on the plus strand (T>C on the coding strand, the complement: BRIP1 is on the minus strand). VCF-style: chr17-61780398-A-G. GRCh37 (hg19) VCF-style: chr17-59857759-A-G.
Other names: short protein forms F600L.
Identifiers: ClinVar variation 241631 (VCV000241631.26), dbSNP rs745367580, ClinGen allele CA8690644.